The following is an entry in ClinVar:

NM_017617.5(NOTCH1):c.165G>A (p.Pro55=)

Gene: NOTCH1 (notch receptor 1; minus strand). Cytogenetic location: 9q34.3.
Variant type: single nucleotide variant.
Coding change: c.165G>A on transcript NM_017617.5 (MANE Select); coding-DNA position 165, G replaced by A.
Protein change: p.Pro55=; no amino-acid change (proline 55 retained).
Molecular consequence: synonymous variant.
Genome position (GRCh38, 1-based): chr9:136,523,955, C>T on the plus strand (G>A on the coding strand, the complement: NOTCH1 is on the minus strand). VCF-style: chr9-136523955-C-T. GRCh37 (hg19) VCF-style: chr9-139418407-C-T.
Other names: p.Pro55=; c.165G>A, p.Pro55= (LRG_1122t1).
Identifiers: ClinVar variation 415380 (VCV000415380.21), dbSNP rs373793124, ClinGen allele CA5342236.

ClinVar aggregate classification (germline): Benign/Likely benign. Review status: criteria provided, multiple submitters, no conflicts (2 of 4 stars). 8 submissions from 7 submitters: Benign (4); Likely benign (2). 2 of the submissions do not count toward it. Last evaluated 2026-02-01.

Conditions:
Adams-Oliver syndrome 5 (AOS5). Identifiers: Orphanet 974, MedGen C4014970, MONDO:0014459, OMIM 616028.
Familial thoracic aortic aneurysm and aortic dissection (TAAD). Also called: Thoracic aortic aneurysms and dissections. Identifiers: Orphanet 91387, MedGen C4707243, MONDO:0019625.
Aortic valve disease 1 (AOVD1). Identifiers: MedGen C3887892, MONDO:0024523, OMIM 109730.

Allele frequency attached by ClinVar (database versions not stated): gnomAD 0.00012 and 0.00020; gnomAD exomes 0.00016 and 0.00056; TOPMed 0.00018; ExAC 0.00074; 1000 Genomes Project 30x 0.00125; 1000 Genomes Project 0.00160.
gnomAD v4.1: 252 of 1,563,320 alleles (0.016%); highest among the groups gnomAD compares: East Asian, 0.53%; no homozygotes.

Submissions (8):

Labcorp Genetics (formerly Invitae), Labcorp
Classification: Benign for Adams-Oliver syndrome 5. Last evaluated: 2026-02-01. Review status: criteria provided, single submitter. Criteria: Invitae Variant Classification Sherloc (09022015). Collection method: clinical testing. Allele origin: germline.

Mayo Clinic Laboratories, Mayo Clinic
Classification: Benign. Last evaluated: 2025-09-30. Review status: criteria provided, single submitter. Criteria: ACMG Guidelines, 2015. Collection method: clinical testing. Allele origin: germline. Observed: 1 variant allele.
Comment: BS1, BP4, BP7

Blueprint Genetics
Classification: Likely benign. Last evaluated: 2024-05-28. Review status: criteria provided, single submitter. Criteria: ACMG Guidelines, 2015. Collection method: clinical testing. Allele origin: germline.

Genome-Nilou Lab
Classification: Benign for Adams-Oliver syndrome 5. Last evaluated: 2022-03-15. Review status: criteria provided, single submitter. Criteria: ACMG Guidelines, 2015. Collection method: clinical testing. Allele origin: germline. Affected: no.

Genome-Nilou Lab
Classification: Benign for Aortic valve disease 1. Last evaluated: 2022-03-15. Review status: criteria provided, single submitter. Criteria: ACMG Guidelines, 2015. Collection method: clinical testing. Allele origin: germline. Affected: no.

Ambry Genetics
Classification: Likely benign for Familial thoracic aortic aneurysm and aortic dissection. Last evaluated: 2015-07-28. Review status: criteria provided, single submitter. Criteria: Ambry Variant Classification Scheme 2023. Collection method: clinical testing. Allele origin: germline.

Genome Diagnostics Laboratory, Amsterdam University Medical Center
Classification: Likely benign. Review status: no assertion criteria provided. Collection method: clinical testing. Allele origin: germline. Affected: yes. Study: VKGL Data-share Consensus. Not counted in ClinVar's aggregate classification.

Joint Genome Diagnostic Labs from Nijmegen and Maastricht, Radboudumc and MUMC+
Classification: Likely benign. Review status: no assertion criteria provided. Collection method: clinical testing. Allele origin: germline. Affected: yes. Study: VKGL Data-share Consensus. Not counted in ClinVar's aggregate classification.